The following is an entry in ClinVar:

NM_017654.4(SAMD9):c.698G>A (p.Gly233Asp)

Gene: SAMD9 (sterile alpha motif domain containing 9; minus strand). Cytogenetic location: 7q21.2.
Variant type: single nucleotide variant.
Coding change: c.698G>A on transcript NM_017654.4 (MANE Select); coding-DNA position 698, G replaced by A.
Protein change: p.Gly233Asp; replaces glycine 233 with aspartic acid.
Molecular consequence: missense variant.
Genome position (GRCh38, 1-based): chr7:93,105,400, C>T on the plus strand (G>A on the coding strand, the complement: SAMD9 is on the minus strand). VCF-style: chr7-93105400-C-T. GRCh37 (hg19) VCF-style: chr7-92734713-C-T.
Other names: c.698G>A, p.Gly233Asp (NM_001193307.2); c.698G>A (NM_017654.3); short protein forms G233D.
Identifiers: ClinVar variation 2968651 (VCV002968651.4), dbSNP rs763330940, ClinGen allele CA4343089.
Genomic context (GRCh38, chr7:93,105,400, plus strand): 5'-GTGACTTTGATGCCAACAATTTTCCCATGGGGTTTGTCTTTGACTCCAAAATGAATAGTG[C>T]CATTGGTACGTGAATTCATACAAGCTGAAGCAAATCGGAAAACCTCATTGCTAAATTTCA-3'
Protein context (NP_060124.2, residues 223-243): ASACMNSRTN[Gly233Asp]TIHFGVKDKP

ClinVar aggregate classification (germline): Uncertain significance. Review status: criteria provided, multiple submitters, no conflicts (2 of 4 stars). 2 submissions from 2 submitters: Uncertain significance (2). Last evaluated 2025-02-16.

Conditions:
Inborn genetic diseases. Identifiers: MedGen C0950123, MeSH D030342.

Allele frequency attached by ClinVar (database versions not stated): gnomAD exomes below 0.00001; ExAC 0.00001.
gnomAD v4.1: 1 of 1,613,942 alleles (0.000062%); highest among the groups gnomAD compares: Admixed American, 0.0017%; no homozygotes.

Submissions (2):

Ambry Genetics
Classification: Uncertain significance for Inborn genetic diseases. Last evaluated: 2025-02-16. Review status: criteria provided, single submitter. Criteria: Ambry Variant Classification Scheme 2023. Collection method: clinical testing. Allele origin: germline.
Comment: The p.G233D variant (also known as c.698G>A), located in coding exon 1 of the SAMD9 gene, results from a G to A substitution at nucleotide position 698. The glycine at codon 233 is replaced by aspartic acid, an amino acid with similar properties. This amino acid position is conserved. In addition, the in silico prediction for this alteration is inconclusive. Based on the available evidence, the clinical significance of this variant remains unclear.

Labcorp Genetics (formerly Invitae), Labcorp
Classification: Uncertain significance. Last evaluated: 2023-04-03. Review status: criteria provided, single submitter. Criteria: Invitae Variant Classification Sherloc (09022015). Collection method: clinical testing. Allele origin: germline.
Comment: This sequence change replaces glycine, which is neutral and non-polar, with aspartic acid, which is acidic and polar, at codon 233 of the SAMD9 protein (p.Gly233Asp). This variant is present in population databases (rs763330940, gnomAD 0.003%). This variant has not been reported in the literature in individuals affected with SAMD9-related conditions. Advanced modeling of protein sequence and biophysical properties (such as structural, functional, and spatial information, amino acid conservation, physicochemical variation, residue mobility, and thermodynamic stability) has been performed at Invitae for this missense variant, however the output from this modeling did not meet the statistical confidence thresholds required to predict the impact of this variant on SAMD9 protein function. In summary, the available evidence is currently insufficient to determine the role of this variant in disease. Therefore, it has been classified as a Variant of Uncertain Significance.